The following is an entry in ClinVar:

NM_000268.4(NF2):c.811-14C>T

Gene: NF2 (NF2, moesin-ezrin-radixin like (MERLIN) tumor suppressor; plus strand). Cytogenetic location: 22q12.2.
Variant type: single nucleotide variant.
Coding change: c.811-14C>T on transcript NM_000268.4 (MANE Select); 14 bases into the intron before coding-DNA position 811, C replaced by T.
Molecular consequence: intron variant.
Genome position (GRCh38, 1-based): chr22:29,664,976, C>T. VCF-style: chr22-29664976-C-T. GRCh37 (hg19) VCF-style: chr22-30060965-C-T.
Other names: c.811-14C>T (NM_016418.5, NM_181832.3, NM_181825.3); c.447+22691C>T (NM_181833.3); c.688-14C>T (NM_181829.3); c.685-14C>T (NM_181828.3); c.562-14C>T (NM_181830.3, NM_181831.3).
Identifiers: ClinVar variation 2171794 (VCV002171794.5), dbSNP rs950129657, ClinGen allele CA323113041.

ClinVar aggregate classification (germline): Likely benign. Review status: criteria provided, multiple submitters, no conflicts (2 of 4 stars). 3 submissions from 3 submitters: Likely benign (3). Last evaluated 2025-12-02.

Conditions:
Neurofibromatosis, type 2 (SWNV). Also called: BILATERAL ACOUSTIC NEUROFIBROMATOSIS; SCHWANNOMATOSIS, VESTIBULAR; NF2-Related Schwannomatosis. Identifiers: Orphanet 637, MedGen C0027832, MONDO:0007039, OMIM 101000. Disease mechanism: loss of function.

Allele frequency attached by ClinVar (database versions not stated): gnomAD exomes below 0.00001; TOPMed 0.00001.
gnomAD v4.1: 3 of 1,595,078 alleles (0.00019%); highest among the groups gnomAD compares: Non-Finnish European, 0.00017%; no homozygotes.

Submissions (3):

Labcorp Genetics (formerly Invitae), Labcorp
Classification: Likely benign for Neurofibromatosis, type 2. Last evaluated: 2025-12-02. Review status: criteria provided, single submitter. Criteria: Invitae Variant Classification Sherloc (09022015). Collection method: clinical testing. Allele origin: germline.

All of Us Research Program, National Institutes of Health
Classification: Likely benign for Neurofibromatosis, type 2. Last evaluated: 2023-11-02. Review status: criteria provided, single submitter. Criteria: ACMG Guidelines, 2015. Collection method: clinical testing. Allele origin: germline. Inheritance: Autosomal dominant inheritance. Observed: 1 variant allele, 1 heterozygote.
Comment: This study involves interpretation of variants in research participants for the purpose of population health screening. Participant phenotype was not available at the time of variant classification. Additional details can be found in publication PMID: 35346344, PMCID: PMC8962531

Color Diagnostics, LLC DBA Color Health
Classification: Likely benign for Neurofibromatosis, type 2. Last evaluated: 2023-10-12. Review status: criteria provided, single submitter. Criteria: ACMG Guidelines, 2015. Collection method: clinical testing. Allele origin: germline.